The following is an entry in ClinVar:

ClinVar aggregate classification (germline): Uncertain significance. Review status: criteria provided, multiple submitters, no conflicts (2 of 4 stars). 2 submissions from 2 submitters: Uncertain significance (2). Last evaluated 2025-10-21.

Allele frequency attached by ClinVar (database versions not stated): gnomAD exomes below 0.00001; TOPMed below 0.00001.
gnomAD v4.1: 8 of 1,614,150 alleles (0.0005%); highest among the groups gnomAD compares: South Asian, 0.0022%; no homozygotes.

Submissions (2):

Labcorp Genetics (formerly Invitae), Labcorp
Classification: Uncertain significance. Last evaluated: 2025-10-21. Review status: criteria provided, single submitter. Criteria: Invitae Variant Classification Sherloc (09022015). Collection method: clinical testing. Allele origin: germline.
Comment: This sequence change replaces glutamine, which is neutral and polar, with arginine, which is basic and polar, at codon 424 of the SEMA4A protein (p.Gln424Arg). This variant is present in population databases (no rsID available, gnomAD 0.003%). This variant has not been reported in the literature in individuals affected with SEMA4A-related conditions. ClinVar contains an entry for this variant (Variation ID: 2487675). Invitae Evidence Modeling of protein sequence and biophysical properties (such as structural, functional, and spatial information, amino acid conservation, physicochemical variation, residue mobility, and thermodynamic stability) indicates that this missense variant is not expected to disrupt SEMA4A protein function with a negative predictive value of 80%. In summary, the available evidence is currently insufficient to determine the role of this variant in disease. Therefore, it has been classified as a Variant of Uncertain Significance.

Ambry Genetics
Classification: Uncertain significance. Last evaluated: 2023-02-22. Review status: criteria provided, single submitter. Criteria: Ambry Variant Classification Scheme 2023. Collection method: clinical testing. Allele origin: germline.

NM_022367.4(SEMA4A):c.1271A>G (p.Gln424Arg)

Gene: SEMA4A (semaphorin 4A; plus strand). Cytogenetic location: 1q22.
Variant type: single nucleotide variant.
Coding change: c.1271A>G on transcript NM_022367.4 (MANE Select); coding-DNA position 1271, A replaced by G.
Protein change: p.Gln424Arg; replaces glutamine 424 with arginine.
Molecular consequence: missense variant.
Genome position (GRCh38, 1-based): chr1:156,172,962, A>G. VCF-style: chr1-156172962-A-G. GRCh37 (hg19) VCF-style: chr1-156142753-A-G.
Other names: c.1271A>G, p.Gln424Arg (NM_001193300.2, NM_001193301.2, NM_001370567.1); c.875A>G, p.Gln292Arg (NM_001193302.2); c.974A>G, p.Gln325Arg (NM_001370568.1); c.764A>G, p.Gln255Arg (NM_001370569.1, NM_001370571.1); short protein forms Q255R, Q292R, Q424R, Q325R.
Identifiers: ClinVar variation 2487675 (VCV002487675.3), dbSNP rs979037800, ClinGen allele CA31001093.
Genomic context (GRCh38, chr1:156,172,962, plus strand): 5'-GGACGCCCCTGCTGGTGAAATCTGGCGTGGAGTATACACGGCTTGCAGTGGAGACAGCCC[A>G]GGGCCTTGATGGGCACAGCCATCTTGTCATGTACCTGGGAACCAGTGAGTAAAGAGTTCC-3'
Protein context (NP_071762.2, residues 414-434): EYTRLAVETA[Gln424Arg]GLDGHSHLVM